The following is an entry in ClinVar:

ClinVar aggregate classification (germline): Uncertain significance (1 of 4 stars; one submission).

Submission:

Labcorp Genetics (formerly Invitae), Labcorp
Classification: Uncertain significance. Last evaluated: 2021-10-19. Review status: criteria provided, single submitter. Criteria: Invitae Variant Classification Sherloc (09022015). Collection method: clinical testing. Allele origin: germline.
Comment: This sequence change replaces valine with methionine at codon 263 of the GRM6 protein (p.Val263Met). The valine residue is moderately conserved and there is a small physicochemical difference between valine and methionine. This variant is not present in population databases (ExAC no frequency). This variant has not been reported in the literature in individuals affected with GRM6-related conditions. Advanced modeling of protein sequence and biophysical properties (such as structural, functional, and spatial information, amino acid conservation, physicochemical variation, residue mobility, and thermodynamic stability) performed at Invitae indicates that this missense variant is not expected to disrupt GRM6 protein function. In summary, the available evidence is currently insufficient to determine the role of this variant in disease. Therefore, it has been classified as a Variant of Uncertain Significance.

NM_000843.4(GRM6):c.787G>A (p.Val263Met)

Gene: GRM6 (glutamate metabotropic receptor 6; minus strand). Cytogenetic location: 5q35.3.
Variant type: single nucleotide variant.
Coding change: c.787G>A on transcript NM_000843.4 (MANE Select); coding-DNA position 787, G replaced by A.
Protein change: p.Val263Met; replaces valine 263 with methionine.
Molecular consequence: missense variant.
Genome position (GRCh38, 1-based): chr5:178,991,494, C>T on the plus strand (G>A on the coding strand, the complement: GRM6 is on the minus strand). VCF-style: chr5-178991494-C-T. GRCh37 (hg19) VCF-style: chr5-178418495-C-T.
Other names: short protein forms V263M.
Identifiers: ClinVar variation 1514861 (VCV001514861.3), dbSNP rs1439266013, ClinGen allele CA362433050.